The following is an entry in ClinVar:

NM_001370466.1(NOD2):c.631A>T (p.Ser211Cys)

Gene: NOD2 (nucleotide binding oligomerization domain containing 2; plus strand). Cytogenetic location: 16q12.1.
Variant type: single nucleotide variant.
Coding change: c.631A>T on transcript NM_001370466.1 (MANE Select); coding-DNA position 631, A replaced by T.
Protein change: p.Ser211Cys; replaces serine 211 with cysteine.
Molecular consequence: missense variant. On other transcripts: non-coding transcript variant (1).
Genome position (GRCh38, 1-based): chr16:50,710,623, A>T. VCF-style: chr16-50710623-A-T. GRCh37 (hg19) VCF-style: chr16-50744534-A-T.
Other names: c.631A>T, p.Ser211Cys (NM_001293557.2); c.712A>T, p.Ser238Cys (NM_022162.3); short protein forms S238C, S211C.
Identifiers: ClinVar variation 531607 (VCV000531607.13), dbSNP rs1001861018, ClinGen allele CA395867405.
Genomic context (GRCh38, chr16:50,710,623, plus strand): 5'-ACATGCAAGAAGTATATGGCCAAGCTGAGGACCACGGTGTCTGCTCAGTCTCGCTTCCTC[A>T]GTACCTATGATGGAGCAGAGACGCTCTGCCTGGAGGACATATACACAGAGAATGTCCTGG-3'
Protein context (NP_001357395.1, residues 201-221): TTVSAQSRFL[Ser211Cys]TYDGAETLCL

ClinVar aggregate classification (germline): Uncertain significance (1 of 4 stars; one submission).

Conditions:
Regional enteritis. Also called: Enteritis, Granulomatous. Identifiers: MedGen C0678202, MeSH D003424.
Blau syndrome (BLAUS). Also called: ARTHROCUTANEOUVEAL GRANULOMATOSIS; GRANULOMATOSIS, FAMILIAL JUVENILE SYSTEMIC; GRANULOMATOSIS, FAMILIAL, BLAU TYPE; GRANULOMATOUS INFLAMMATORY ARTHRITIS, DERMATITIS, AND UVEITIS, FAMILIAL; JABS SYNDROME. Identifiers: Orphanet 90340, MedGen C5201146, MONDO:0008523, OMIM 186580.

Allele frequency attached by ClinVar (database versions not stated): gnomAD exomes below 0.00001.
gnomAD v4.1: 2 of 1,614,194 alleles (0.00012%); highest among the groups gnomAD compares: Non-Finnish European, 0.00017%; no homozygotes.

Submission:

Labcorp Genetics (formerly Invitae), Labcorp
Classification: Uncertain significance for Regional enteritis; Blau syndrome. Last evaluated: 2025-08-30. Review status: criteria provided, single submitter. Criteria: Invitae Variant Classification Sherloc (09022015). Collection method: clinical testing. Allele origin: germline.
Comment: This sequence change replaces serine, which is neutral and polar, with cysteine, which is neutral and slightly polar, at codon 238 of the NOD2 protein (p.Ser238Cys). This variant is not present in population databases (gnomAD no frequency). This variant has not been reported in the literature in individuals affected with NOD2-related conditions. ClinVar contains an entry for this variant (Variation ID: 531607). Invitae Evidence Modeling of protein sequence and biophysical properties (such as structural, functional, and spatial information, amino acid conservation, physicochemical variation, residue mobility, and thermodynamic stability) has been performed for this missense variant. However, the output from this modeling did not meet the statistical confidence thresholds required to predict the impact of this variant on NOD2 protein function. In summary, the available evidence is currently insufficient to determine the role of this variant in disease. Therefore, it has been classified as a Variant of Uncertain Significance.